The following is an entry in ClinVar:

ClinVar aggregate classification (germline): Uncertain significance. Review status: criteria provided, multiple submitters, no conflicts (2 of 4 stars). 3 submissions from 3 submitters: Uncertain significance (2). 1 of the submissions does not count toward it. Last evaluated 2025-02-21.

Conditions:
ZNF142-related disorder. Also called: ZNF142-related condition.
Inborn genetic diseases. Identifiers: MedGen C0950123, MeSH D030342.

Allele frequency attached by ClinVar (database versions not stated): TOPMed 0.00009; gnomAD exomes 0.00025; gnomAD 0.00009.

Submissions (3):

GeneDx
Classification: Uncertain significance. Last evaluated: 2025-02-21. Review status: criteria provided, single submitter. Criteria: GeneDx Variant Classification Process June 2021. Collection method: clinical testing. Allele origin: germline. Affected: yes.
Comment: In silico analysis indicates that this missense variant does not alter protein structure/function; Has not been previously published as pathogenic or benign to our knowledge

Ambry Genetics
Classification: Uncertain significance for Inborn genetic diseases. Last evaluated: 2024-07-09. Review status: criteria provided, single submitter. Criteria: Ambry Variant Classification Scheme 2023. Collection method: clinical testing. Allele origin: germline.

PreventionGenetics, part of Exact Sciences
Classification: Uncertain significance for ZNF142-related condition. Last evaluated: 2024-04-09. Review status: no assertion criteria provided. Collection method: clinical testing. Allele origin: germline. Not counted in ClinVar's aggregate classification.
Comment: The ZNF142 c.4406G>A variant is predicted to result in the amino acid substitution p.Arg1469His. To our knowledge, this variant has not been reported in the literature. This variant is reported in 0.017% of alleles in individuals of European (Non-Finnish) descent in gnomAD. At this time, the clinical significance of this variant is uncertain due to the absence of conclusive functional and genetic evidence.

NM_001379659.1(ZNF142):c.4406G>A (p.Arg1469His)

Gene: ZNF142 (zinc finger protein 142; minus strand). Cytogenetic location: 2q35.
Variant type: single nucleotide variant.
Coding change: c.4406G>A on transcript NM_001379659.1 (MANE Select); coding-DNA position 4406, G replaced by A.
Protein change: p.Arg1469His; replaces arginine 1469 with histidine.
Molecular consequence: missense variant.
Genome position (GRCh38, 1-based): chr2:218,642,710, C>T on the plus strand (G>A on the coding strand, the complement: ZNF142 is on the minus strand). VCF-style: chr2-218642710-C-T. GRCh37 (hg19) VCF-style: chr2-219507433-C-T.
Other names: c.3806G>A (NM_001105537.2); c.3317G>A, p.Arg1106His (NM_001366289.3, NM_001366287.3, NM_001366288.3); c.4406G>A, p.Arg1469His (NM_001366290.3, NM_001379660.1, NM_001379661.1); c.3806G>A, p.Arg1269His (NM_001366291.3, NM_001379662.1, NM_001105537.5); short protein forms R1269H, R1106H, R1469H.
Identifiers: ClinVar variation 3194076 (VCV003194076.4), dbSNP rs774915135, ClinGen allele CA2108778.
Genomic context (GRCh38, chr2:218,642,710, plus strand): 5'-GAGCAGGCAAAGGCTGGGGTGCCTTGGTGGCAGCTGTTGACATGACGAGTGATGTCATGG[C>T]GAAGGTAGCCACTATAGTCACAAAGTGGACAGAAGTGGGTAGGTGTTTTGTCATGTACCC-3'
Protein context (NP_001366588.1, residues 1459-1479): CPLCDYSGYL[Arg1469His]HDITRHVNSC